The following is an entry in ClinVar:

NM_003638.3(ITGA8):c.2975G>A (p.Ser992Asn)

Gene: ITGA8 (integrin subunit alpha 8; minus strand). Cytogenetic location: 10p13.
Variant type: single nucleotide variant.
Coding change: c.2975G>A on transcript NM_003638.3 (MANE Select); coding-DNA position 2975, G replaced by A.
Protein change: p.Ser992Asn; replaces serine 992 with asparagine.
Molecular consequence: missense variant.
Genome position (GRCh38, 1-based): chr10:15,531,057, C>T on the plus strand (G>A on the coding strand, the complement: ITGA8 is on the minus strand). VCF-style: chr10-15531057-C-T. GRCh37 (hg19) VCF-style: chr10-15573056-C-T.
Other names: c.2930G>A, p.Ser977Asn (NM_001291494.2); short protein forms S977N, S992N.
Identifiers: ClinVar variation 3111272 (VCV003111272.4), dbSNP rs368176501, ClinGen allele CA5419663.

ClinVar aggregate classification (germline): Uncertain significance. Review status: criteria provided, multiple submitters, no conflicts (2 of 4 stars). 2 submissions from 2 submitters: Uncertain significance (2). Last evaluated 2025-04-25.

Conditions:
Inborn genetic diseases. Identifiers: MedGen C0950123, MeSH D030342.

Allele frequency attached by ClinVar (database versions not stated): gnomAD exomes below 0.00001; ExAC 0.00001; gnomAD 0.00001; TOPMed 0.00002.
gnomAD v4.1: 25 of 1,505,262 alleles (0.0017%); highest among the groups gnomAD compares: East Asian, 0.0069%; no homozygotes.

Submissions (2):

Ambry Genetics
Classification: Uncertain significance for Inborn genetic diseases. Last evaluated: 2025-04-25. Review status: criteria provided, single submitter. Criteria: Ambry Variant Classification Scheme 2023. Collection method: clinical testing. Allele origin: germline.

Labcorp Genetics (formerly Invitae), Labcorp
Classification: Uncertain significance. Last evaluated: 2024-12-12. Review status: criteria provided, single submitter. Criteria: Invitae Variant Classification Sherloc (09022015). Collection method: clinical testing. Allele origin: germline.
Comment: This sequence change replaces serine, which is neutral and polar, with asparagine, which is neutral and polar, at codon 992 of the ITGA8 protein (p.Ser992Asn). The frequency data for this variant in the population databases is considered unreliable, as metrics indicate poor data quality at this position in the gnomAD database. This variant has not been reported in the literature in individuals affected with ITGA8-related conditions. ClinVar contains an entry for this variant (Variation ID: 3111272). Invitae Evidence Modeling of protein sequence and biophysical properties (such as structural, functional, and spatial information, amino acid conservation, physicochemical variation, residue mobility, and thermodynamic stability) indicates that this missense variant is not expected to disrupt ITGA8 protein function with a negative predictive value of 80%. In summary, the available evidence is currently insufficient to determine the role of this variant in disease. Therefore, it has been classified as a Variant of Uncertain Significance.